The following is an entry in ClinVar:

NM_015160.3(PMPCA):c.1221del (p.Ile408fs)

Gene: PMPCA (peptidase, mitochondrial processing subunit alpha; plus strand). Cytogenetic location: 9q34.3.
Variant type: Deletion.
Coding change: c.1221del on transcript NM_015160.3 (MANE Select); coding-DNA position 1221, one base deleted (C; older notation c.1221delC).
Protein change: p.Ile408fs; shifts the reading frame from isoleucine 408.
Molecular consequence: frameshift variant.
Genome position (GRCh38, 1-based): chr9:136,419,064, C deleted. VCF-style (leftmost placement, unchanged base first): chr9-136419063-TC-T. GRCh37 (hg19) VCF-style: chr9-139313515-TC-T.
Other names: c.828del, p.Ile277fs (NM_001282944.2); c.921del, p.Ile308fs (NM_001282946.2); short protein forms I277fs, I408fs, I308fs.
Identifiers: ClinVar variation 2013249 (VCV002013249.4), dbSNP rs2538851344, ClinGen allele CA2580080892.
Genomic context (GRCh38, chr9:136,419,063, plus strand): 5'-AGGCGCAGGCCACACTGTTATCGTCTTGCCCTTCTTCGCAGGTTCGAGAAATGGTAGAAA[TC>T]ATCACAAAGGAGTTTATTTTAATGGGCGGAACCGTGGACACGGTAAGTGCAGTGTGGCGC-3'

ClinVar aggregate classification (germline): Pathogenic (1 of 4 stars; one submission).

Submission:

Labcorp Genetics (formerly Invitae), Labcorp
Classification: Pathogenic. Last evaluated: 2024-01-24. Review status: criteria provided, single submitter. Criteria: Invitae Variant Classification Sherloc (09022015). Collection method: clinical testing. Allele origin: germline.
Comment: This sequence change creates a premature translational stop signal (p.Ile408Serfs*7) in the PMPCA gene. It is expected to result in an absent or disrupted protein product. Loss-of-function variants in PMPCA are known to be pathogenic (PMID: 35885985). This variant is not present in population databases (gnomAD no frequency). This variant has not been reported in the literature in individuals affected with PMPCA-related conditions. ClinVar contains an entry for this variant (Variation ID: 2013249). For these reasons, this variant has been classified as Pathogenic.

Literature cited by the submitters: PubMed 35885985.